The following is an entry in ClinVar:

NM_138694.4(PKHD1):c.5485C>T (p.Gln1829Ter)

Gene: PKHD1 (PKHD1 ciliary IPT domain containing fibrocystin/polyductin; minus strand). Cytogenetic location: 6p12.2.
Variant type: single nucleotide variant.
Coding change: c.5485C>T on transcript NM_138694.4 (MANE Select); coding-DNA position 5485, C replaced by T.
Protein change: p.Gln1829Ter; replaces glutamine 1829 with a stop codon.
Molecular consequence: nonsense.
Genome position (GRCh38, 1-based): chr6:52,017,525, G>A on the plus strand (C>T on the coding strand, the complement: PKHD1 is on the minus strand). VCF-style: chr6-52017525-G-A. GRCh37 (hg19) VCF-style: chr6-51882323-G-A.
Other names: c.5485C>T, p.Gln1829Ter (NM_170724.3); short protein forms Q1829*.
Identifiers: ClinVar variation 371036 (VCV000371036.48), dbSNP rs774759689, ClinGen allele CA3852502.

ClinVar aggregate classification (germline): Pathogenic. Review status: criteria provided, multiple submitters, no conflicts (2 of 4 stars). 7 submissions from 7 submitters: Pathogenic (5). 2 of the submissions do not count toward it. Last evaluated 2026-06-01.

Conditions:
PKHD1-related disorder. Also called: PKHD1-related condition.
Autosomal dominant polycystic liver disease. Also called: Congenital cystic disease of liver; Polycystic liver disease. Identifiers: Orphanet 2924, MedGen C0158683, MONDO:0000447, HP:0006557.
Polycystic kidney disease 4 (PKD4). Also called: Autosomal Recessive Polycystic Kidney Disease – PKHD1; PKD3; POLYCYSTIC KIDNEY DISEASE 4 WITH OR WITHOUT POLYCYSTIC LIVER DISEASE; POLYCYSTIC KIDNEY AND HEPATIC DISEASE 1; POLYCYSTIC KIDNEY DISEASE, INFANTILE, TYPE I. Identifiers: MedGen C4540575, MONDO:0033004, OMIM 263200.
Autosomal recessive polycystic kidney disease (ARPKD). Also called: AR polycystic kidney disease. Identifiers: Orphanet 731, Orphanet 8378, MedGen C0085548, MeSH D017044, MONDO:0009889.

Allele frequency attached by ClinVar (database versions not stated): gnomAD exomes below 0.00001; ExAC 0.00001; gnomAD 0.00001.
gnomAD v4.1: 3 of 1,613,830 alleles (0.00019%); highest among the groups gnomAD compares: Admixed American, 0.0033%; no homozygotes.

Submissions (7):

PreventionGenetics, part of Exact Sciences
Classification: Pathogenic for PKHD1-related condition. Last evaluated: 2026-06-01. Review status: criteria provided, single submitter. Criteria: ACMG Guidelines, 2015. Collection method: clinical testing. Allele origin: germline.
Comment: The PKHD1 c.5485C>T variant is predicted to result in premature protein termination (p.Gln1829*). This variant has been reported in the compound heterozygous state in multiple individuals with autosomal recessive polycystic kidney disease (see for example: Table S2, Denamur et al. 2010. PubMed ID: 19940839; Krall et al. 2013. PubMed ID: 24162162; Table S1, Bullich et al. 2018. PubMed ID: 29801666). This variant is reported in 0.0029% of alleles in individuals of Latino descent in gnomAD. Nonsense variants in PKHD1 are expected to be pathogenic. This variant is interpreted as pathogenic.

Natera, Inc.
Classification: Pathogenic for Autosomal recessive polycystic kidney disease. Last evaluated: 2025-11-26. Review status: criteria provided, single submitter. Criteria: Natera Variant Classification Schema (03/2026). Collection method: clinical testing. Allele origin: germline.
Comment: The c.5485C>T variant in PKHD1 is a nonsense variant predicted to introduce a stop codon at amino acid 1829. This variant is expected to result in nonsense mediated decay, truncation, or a dysfunctional protein product. This variant is rare in the general population with a frequency below the threshold expected for the associated phenotype(s). This variant has been observed in one or more individuals affected with the associated recessive disease, as either homozygous or compound heterozygous with a second variant (PMID: 24162162). Given the available evidence, this variant is classified as Pathogenic.

GeneDx
Classification: Pathogenic. Last evaluated: 2024-11-14. Review status: criteria provided, single submitter. Criteria: GeneDx Variant Classification Process June 2021. Collection method: clinical testing. Allele origin: germline. Affected: yes.
Comment: Nonsense variant predicted to result in protein truncation or nonsense mediated decay in a gene for which loss of function is a known mechanism of disease; Not observed at significant frequency in large population cohorts (gnomAD); This variant is associated with the following publications: (PMID: 25525159, 31589614, 35253369, 36239278, 29801666, 25701400, 19940839, 24162162)

Labcorp Genetics (formerly Invitae), Labcorp
Classification: Pathogenic for Autosomal recessive polycystic kidney disease. Last evaluated: 2023-09-18. Review status: criteria provided, single submitter. Criteria: Invitae Variant Classification Sherloc (09022015). Collection method: clinical testing. Allele origin: germline.
Comment: For these reasons, this variant has been classified as Pathogenic. Algorithms developed to predict the effect of sequence changes on RNA splicing suggest that this variant may disrupt the consensus splice site. ClinVar contains an entry for this variant (Variation ID: 371036). This premature translational stop signal has been observed in individual(s) with autosomal recessive polycystic kidney disease (PMID: 19940839, 24162162). This variant is present in population databases (rs774759689, gnomAD 0.003%). This sequence change creates a premature translational stop signal (p.Gln1829*) in the PKHD1 gene. It is expected to result in an absent or disrupted protein product. Loss-of-function variants in PKHD1 are known to be pathogenic (PMID: 19940839).

Women's Health and Genetics/Laboratory Corporation of America, LabCorp
Classification: Pathogenic for Autosomal recessive polycystic kidney disease. Last evaluated: 2021-07-27. Review status: criteria provided, single submitter. Criteria: LabCorp Variant Classification Summary - May 2015. Collection method: clinical testing. Allele origin: germline.
Comment: Variant summary: PKHD1 c.5485C>T (p.Gln1829X) results in a premature termination codon, predicted to cause a truncation of the encoded protein or absence of the protein due to nonsense mediated decay, which are commonly known mechanisms for disease. Truncations downstream of this position have been classified as pathogenic by our laboratory. The variant allele was found at a frequency of 4e-06 in 251064 control chromosomes. c.5485C>T has been reported in the literature in multiple individuals affected with Polycystic Kidney And Hepatic Disease (e.g. Krall_2014, Bullich_2018). These data indicate that the variant is very likely to be associated with disease. Two clinical diagnostic laboratories have submitted clinical-significance assessments for this variant to ClinVar after 2014 without evidence for independent evaluation. Both laboratories classified the variant as pathogenic/likely pathogenic. Based on the evidence outlined above, the variant was classified as pathogenic.

Laboratory of Gastroenterology and Hepatology, Radboud University Medical Center
Classification: Pathogenic for Autosomal dominant polycystic liver disease. Last evaluated: 2021-09-01. Review status: no assertion criteria provided. Collection method: research. Allele origin: germline. Affected: yes. Not counted in ClinVar's aggregate classification.

Counsyl
Classification: Likely pathogenic for Polycystic kidney disease 4. Last evaluated: 2016-06-14. Review status: no assertion criteria provided. Collection method: clinical testing. Allele origin: unknown. Not counted in ClinVar's aggregate classification.

Literature cited by the submitters: PubMed 24162162 (cited by 3 submitters); PubMed 19940839 (cited by Labcorp Genetics (formerly Invitae), Labcorp and Counsyl); PubMed 29801666 (cited by Women's Health and Genetics/Laboratory Corporation of America, LabCorp).